The following is an entry in ClinVar:

ClinVar aggregate classification (germline): Uncertain significance (1 of 4 stars; one submission).

Conditions:
Congenital contractural arachnodactyly (CCA). Also called: BEALS SYNDROME; Arthrogryposis, distal, type 9; Beals-Hecht syndrome. Identifiers: Orphanet 115, MedGen C0220668, MONDO:0007363, OMIM 121050.

Allele frequency attached by ClinVar (database versions not stated): gnomAD exomes below 0.00001; ExAC 0.00001.
gnomAD v4.1: 2 of 1,613,594 alleles (0.00012%); highest among the groups gnomAD compares: Non-Finnish European, 0.000085%; no homozygotes.

Submission:

Labcorp Genetics (formerly Invitae), Labcorp
Classification: Uncertain significance for Congenital contractural arachnodactyly. Last evaluated: 2025-08-07. Review status: criteria provided, single submitter. Criteria: Invitae Variant Classification Sherloc (09022015). Collection method: clinical testing. Allele origin: germline.
Comment: This sequence change replaces isoleucine, which is neutral and non-polar, with valine, which is neutral and non-polar, at codon 2792 of the FBN2 protein (p.Ile2792Val). This variant is present in population databases (rs200706569, gnomAD 0.01%). This variant has not been reported in the literature in individuals affected with FBN2-related conditions. ClinVar contains an entry for this variant (Variation ID: 2719513). Invitae Evidence Modeling of protein sequence and biophysical properties (such as structural, functional, and spatial information, amino acid conservation, physicochemical variation, residue mobility, and thermodynamic stability) indicates that this missense variant is not expected to disrupt FBN2 protein function with a negative predictive value of 80%. In summary, the available evidence is currently insufficient to determine the role of this variant in disease. Therefore, it has been classified as a Variant of Uncertain Significance.

NM_001999.4(FBN2):c.8374A>G (p.Ile2792Val)

Gene: FBN2 (fibrillin 2; minus strand). Cytogenetic location: 5q23.3.
Variant type: single nucleotide variant.
Coding change: c.8374A>G on transcript NM_001999.4 (MANE Select); coding-DNA position 8374, A replaced by G.
Protein change: p.Ile2792Val; replaces isoleucine 2792 with valine.
Molecular consequence: missense variant.
Genome position (GRCh38, 1-based): chr5:128,259,820, T>C on the plus strand (A>G on the coding strand, the complement: FBN2 is on the minus strand). VCF-style: chr5-128259820-T-C. GRCh37 (hg19) VCF-style: chr5-127595512-T-C.
Other names: short protein forms I2792V.
Identifiers: ClinVar variation 2719513 (VCV002719513.3), dbSNP rs200706569, ClinGen allele CA3393821.
Genomic context (GRCh38, chr5:128,259,820, plus strand): 5'-GGTGGGAGAGGTTGAACTTCATGTTGACGGGGCTGTCCATGTCGACACTCTCTAGGCTGA[T>C]CTGTTCAACCTGGAGGAAGAACAGGAAATGATTTGGGACAAGCTTCTACAGCACAAGCAG-3'
Protein context (NP_001990.2, residues 2782-2802): HEPDPTAVEQ[Ile2792Val]SLESVDMDSP